The following is an entry in ClinVar:

NM_017491.5(WDR1):c.1078G>A (p.Ala360Thr)

Gene: WDR1 (WD repeat domain 1; minus strand). Cytogenetic location: 4p16.1.
Variant type: single nucleotide variant.
Coding change: c.1078G>A on transcript NM_017491.5 (MANE Select); coding-DNA position 1078, G replaced by A.
Protein change: p.Ala360Thr; replaces alanine 360 with threonine.
Molecular consequence: missense variant.
Genome position (GRCh38, 1-based): chr4:10,083,140, C>T on the plus strand (G>A on the coding strand, the complement: WDR1 is on the minus strand). VCF-style: chr4-10083140-C-T. GRCh37 (hg19) VCF-style: chr4-10084764-C-T.
Other names: c.658G>A, p.Ala220Thr (NM_005112.5); short protein forms A360T, A220T.
Identifiers: ClinVar variation 2899081 (VCV002899081.1), dbSNP rs772279711, ClinGen allele CA2857741.

ClinVar aggregate classification (germline): Uncertain significance (1 of 4 stars; one submission).

Allele frequency attached by ClinVar (database versions not stated): gnomAD 0.00001.

Submission:

Labcorp Genetics (formerly Invitae), Labcorp
Classification: Uncertain significance. Last evaluated: 2023-10-25. Review status: criteria provided, single submitter. Criteria: Invitae Variant Classification Sherloc (09022015). Collection method: clinical testing. Allele origin: germline.
Comment: This sequence change replaces alanine, which is neutral and non-polar, with threonine, which is neutral and polar, at codon 360 of the WDR1 protein (p.Ala360Thr). This variant is present in population databases (rs772279711, gnomAD 0.06%). This variant has not been reported in the literature in individuals affected with WDR1-related conditions. Algorithms developed to predict the effect of missense changes on protein structure and function output the following: SIFT: "Not Available"; PolyPhen-2: "Benign"; Align-GVGD: "Not Available". The threonine amino acid residue is found in multiple mammalian species, which suggests that this missense change does not adversely affect protein function. In summary, the available evidence is currently insufficient to determine the role of this variant in disease. Therefore, it has been classified as a Variant of Uncertain Significance.